The following is an entry in ClinVar:

ClinVar aggregate classification (germline): Uncertain significance. Review status: criteria provided, multiple submitters, no conflicts (2 of 4 stars). 2 submissions from 2 submitters: Uncertain significance (2). Last evaluated 2023-07-06.

Conditions:
Familial hemophagocytic lymphohistiocytosis 3 (FHL3). Also called: UNC13D-Related Familial Hemophagocytic Lymphohistiocytosis (UNC13D-fHLH). Identifiers: Orphanet 540, MedGen C1837174, MONDO:0012146, OMIM 608898.

Allele frequency attached by ClinVar (database versions not stated): gnomAD 0.00001; gnomAD exomes 0.00001; TOPMed 0.00002; ExAC 0.00003.
gnomAD v4.1: 11 of 1,589,778 alleles (0.00069%); highest among the groups gnomAD compares: Admixed American, 0.0053%; no homozygotes.

Submissions (2):

Mayo Clinic Laboratories, Mayo Clinic
Classification: Uncertain significance. Last evaluated: 2023-07-06. Review status: criteria provided, single submitter. Criteria: ACMG Guidelines, 2015. Collection method: clinical testing. Allele origin: germline. Observed: 1 variant allele.

Labcorp Genetics (formerly Invitae), Labcorp
Classification: Uncertain significance for Familial hemophagocytic lymphohistiocytosis 3. Last evaluated: 2022-10-05. Review status: criteria provided, single submitter. Criteria: Invitae Variant Classification Sherloc (09022015). Collection method: clinical testing. Allele origin: germline.
Comment: This sequence change replaces proline, which is neutral and non-polar, with serine, which is neutral and polar, at codon 948 of the UNC13D protein (p.Pro948Ser). The frequency data for this variant in the population databases is considered unreliable, as metrics indicate poor data quality at this position in the gnomAD database. This variant has not been reported in the literature in individuals affected with UNC13D-related conditions. Advanced modeling of protein sequence and biophysical properties (such as structural, functional, and spatial information, amino acid conservation, physicochemical variation, residue mobility, and thermodynamic stability) has been performed at Invitae for this missense variant, however the output from this modeling did not meet the statistical confidence thresholds required to predict the impact of this variant on UNC13D protein function. In summary, the available evidence is currently insufficient to determine the role of this variant in disease. Therefore, it has been classified as a Variant of Uncertain Significance.

NM_199242.3(UNC13D):c.2842C>T (p.Pro948Ser)

Genes: UNC13D (unc-13 homolog D; minus strand), LOC112533672 (Sharpr-MPRA regulatory region 1193; plus strand). Cytogenetic location: 17q25.1.
Variant type: single nucleotide variant.
Coding change: c.2842C>T on transcript NM_199242.3 (MANE Select); coding-DNA position 2842, C replaced by T.
Protein change: p.Pro948Ser; replaces proline 948 with serine.
Molecular consequence: missense variant.
Genome position (GRCh38, 1-based): chr17:75,830,140, G>A on the plus strand (C>T on the coding strand, the complement: UNC13D is on the minus strand). VCF-style: chr17-75830140-G-A. GRCh37 (hg19) VCF-style: chr17-73826221-G-A.
Other names: p.Pro948Ser; short protein forms P948S.
Identifiers: ClinVar variation 2138797 (VCV002138797.2), dbSNP rs757354369, ClinGen allele CA8772357.
Genomic context (GRCh38, chr17:75,830,140, plus strand): 5'-TCTCCCGGGCGGCCAGCTCAGGGAACTCATGCCTGGGCTCCAAGGTCAGCTGGACAAAGG[G>A]GTCGCTGGAGCCTGGTAAGTGGCCGGGGAGTGTGCGTCAGCTGAGGGTCTCCCAGGCACC-3'
Protein context (NP_954712.1, residues 938-958): LPLDSNGSSD[Pro948Ser]FVQLTLEPRH